The following is an entry in ClinVar:

NM_000245.4(MET):c.382G>A (p.Asp128Asn)

Gene: MET (MET proto-oncogene, receptor tyrosine kinase; plus strand). Cytogenetic location: 7q31.2.
Variant type: single nucleotide variant.
Coding change: c.382G>A on transcript NM_000245.4 (MANE Select); coding-DNA position 382, G replaced by A.
Protein change: p.Asp128Asn; replaces aspartic acid 128 with asparagine.
Molecular consequence: missense variant. On other transcripts: intron variant (1).
Genome position (GRCh38, 1-based): chr7:116,699,466, G>A. VCF-style: chr7-116699466-G-A. GRCh37 (hg19) VCF-style: chr7-116339520-G-A.
Other names: c.382G>A, p.Asp128Asn (NM_001127500.3, NM_001324401.3); c.-91+26889G>A (NM_001324402.2); short protein forms D128N.
Identifiers: ClinVar variation 2006339 (VCV002006339.6), dbSNP rs756856284, ClinGen allele CA4447985.

ClinVar aggregate classification (germline): Conflicting classifications of pathogenicity. Review status: criteria provided, conflicting classifications (1 of 4 stars). 2 submissions from 2 submitters: Uncertain significance (1); Likely benign (1). Last evaluated 2026-06-01.

Conditions:
Renal cell carcinoma. Identifiers: Orphanet 217071, MedGen C0007134, MeSH D002292, MONDO:0005086, HP:0005584.
Hereditary cancer-predisposing syndrome. Also called: Neoplastic Syndromes, Hereditary; Tumor predisposition; Hereditary Cancer Syndrome; Hereditary neoplastic syndrome. Identifiers: Orphanet 140162, MedGen C0027672, MeSH D009386, MONDO:0015356.

Allele frequency attached by ClinVar (database versions not stated): gnomAD exomes below 0.00001; ExAC 0.00001.
gnomAD v4.1: 3 of 1,614,024 alleles (0.00019%); highest among the groups gnomAD compares: South Asian, 0.0011%; no homozygotes.

Submissions (2):

Ambry Genetics
Classification: Likely benign for Hereditary cancer-predisposing syndrome. Last evaluated: 2026-06-01. Review status: criteria provided, single submitter. Criteria: Ambry Variant Classification Scheme 2023. Collection method: clinical testing. Allele origin: germline.

Labcorp Genetics (formerly Invitae), Labcorp
Classification: Uncertain significance for Renal cell carcinoma. Last evaluated: 2022-06-14. Review status: criteria provided, single submitter. Criteria: Invitae Variant Classification Sherloc (09022015). Collection method: clinical testing. Allele origin: germline.
Comment: This variant has not been reported in the literature in individuals affected with MET-related conditions. In summary, the available evidence is currently insufficient to determine the role of this variant in disease. Therefore, it has been classified as a Variant of Uncertain Significance. Algorithms developed to predict the effect of missense changes on protein structure and function are either unavailable or do not agree on the potential impact of this missense change (SIFT: "Tolerated"; PolyPhen-2: "Probably Damaging"; Align-GVGD: "Class C0"). This variant is present in population databases (rs756856284, gnomAD 0.003%). This sequence change replaces aspartic acid, which is acidic and polar, with asparagine, which is neutral and polar, at codon 128 of the MET protein (p.Asp128Asn).